The following is an entry in ClinVar:

NM_002427.4(MMP13):c.*13A>T

Gene: MMP13 (matrix metallopeptidase 13; minus strand). Cytogenetic location: 11q22.2.
Variant type: single nucleotide variant.
Coding change: c.*13A>T on transcript NM_002427.4 (MANE Select); 13 bases downstream of the stop codon, A replaced by T.
Molecular consequence: 3 prime UTR variant.
Genome position (GRCh38, 1-based): chr11:102,944,253, T>A on the plus strand (A>T on the coding strand, the complement: MMP13 is on the minus strand). VCF-style: chr11-102944253-T-A. GRCh37 (hg19) VCF-style: chr11-102814982-T-A.
Identifiers: ClinVar variation 879278 (VCV000879278.4), dbSNP rs372513971, ClinGen allele CA6251659.

ClinVar aggregate classification (germline): Conflicting classifications of pathogenicity. Review status: criteria provided, conflicting classifications (1 of 4 stars). 2 submissions from 1 submitter: Uncertain significance (1); Benign (1). Last evaluated 2018-01-12.

Conditions:
Metaphyseal anadysplasia. Also called: Early-onset regressive form of metaphyseal dysplasia. Identifiers: Orphanet 1040, MedGen C0432226, MONDO:0015177.
Spondyloepimetaphyseal dysplasia, Missouri type. Identifiers: Orphanet 1040, Orphanet 93356, MedGen C1865832, MONDO:0011198, OMIM 602111.

Allele frequency attached by ClinVar (database versions not stated): ESP Exome Variant Server 0.00008; gnomAD exomes 0.00011 and 0.00006; gnomAD 0.00005 and 0.00006; TOPMed 0.00006; ExAC 0.00021.
gnomAD v4.1: 95 of 1,603,412 alleles (0.0059%); highest among the groups gnomAD compares: Non-Finnish European, 0.0076%; no homozygotes.

Submissions (2):

Illumina Laboratory Services, Illumina
Classification: Benign for Metaphyseal anadysplasia. Last evaluated: 2018-01-12. Review status: criteria provided, single submitter. Criteria: ICSL Variant Classification Criteria 13 December 2019. Collection method: clinical testing. Allele origin: germline.
Comment: This variant was observed in the ICSL laboratory as part of a predisposition screen in an ostensibly healthy population. It had not been previously curated by ICSL or reported in the Human Gene Mutation Database (HGMD: prior to June 1st, 2018), and was therefore a candidate for classification through an automated scoring system. Utilizing variant allele frequency, disease prevalence and penetrance estimates, and inheritance mode, an automated score was calculated to assess if this variant is too frequent to cause the disease. Based on the score and internal cut-off values, a variant classified as benign is not then subjected to further curation. The score for this variant resulted in a classification of benign for this disease.

Illumina Laboratory Services, Illumina
Classification: Uncertain significance for Spondyloepimetaphyseal dysplasia, Missouri type. Last evaluated: 2018-01-12. Review status: criteria provided, single submitter. Criteria: ICSL Variant Classification Criteria 13 December 2019. Collection method: clinical testing. Allele origin: germline.